The following is an entry in ClinVar:

ClinVar aggregate classification (germline): Uncertain significance (1 of 4 stars; one submission).

Conditions:
Gorlin syndrome. Also called: Nevoid Basal Cell Carcinoma Syndrome; Basal cell nevus syndrome. Identifiers: Orphanet 377, MedGen C0004779, MONDO:0007187.

Submission:

Labcorp Genetics (formerly Invitae), Labcorp
Classification: Uncertain significance for Gorlin syndrome. Last evaluated: 2024-11-24. Review status: criteria provided, single submitter. Criteria: Invitae Variant Classification Sherloc (09022015). Collection method: clinical testing. Allele origin: germline.
Comment: This sequence change replaces histidine, which is basic and polar, with glutamine, which is neutral and polar, at codon 384 of the PTCH1 protein (p.His384Gln). This variant is not present in population databases (gnomAD no frequency). This variant has not been reported in the literature in individuals affected with PTCH1-related conditions. ClinVar contains an entry for this variant (Variation ID: 934767). Invitae Evidence Modeling of protein sequence and biophysical properties (such as structural, functional, and spatial information, amino acid conservation, physicochemical variation, residue mobility, and thermodynamic stability) indicates that this missense variant is not expected to disrupt PTCH1 protein function with a negative predictive value of 95%. In summary, the available evidence is currently insufficient to determine the role of this variant in disease. Therefore, it has been classified as a Variant of Uncertain Significance.

NM_000264.5(PTCH1):c.1152C>G (p.His384Gln)

Gene: PTCH1 (patched 1; minus strand). Cytogenetic location: 9q22.32.
Variant type: single nucleotide variant.
Coding change: c.1152C>G on transcript NM_000264.5 (MANE Select); coding-DNA position 1152, C replaced by G.
Protein change: p.His384Gln; replaces histidine 384 with glutamine.
Molecular consequence: missense variant. On other transcripts: non-coding transcript variant (1).
Genome position (GRCh38, 1-based): chr9:95,479,063, G>C on the plus strand (C>G on the coding strand, the complement: PTCH1 is on the minus strand). VCF-style: chr9-95479063-G-C. GRCh37 (hg19) VCF-style: chr9-98241345-G-C.
Other names: c.954C>G, p.His318Gln (NM_001083602.3); c.1149C>G, p.His383Gln (NM_001083603.3); c.699C>G, p.His233Gln (NM_001083604.3, NM_001083605.3, NM_001083606.3 and 1 more transcripts); c.1152C>G, p.His384Gln (NM_001354918.2); short protein forms H318Q, H383Q, H233Q, H384Q.
Identifiers: ClinVar variation 934767 (VCV000934767.10), dbSNP rs200246772, ClinGen allele CA374119347.